The following is an entry in ClinVar:

NM_144670.6(A2ML1):c.1856G>C (p.Trp619Ser)

Gene: A2ML1 (alpha-2-macroglobulin like 1; plus strand). Cytogenetic location: 12p13.31.
Variant type: single nucleotide variant.
Coding change: c.1856G>C on transcript NM_144670.6 (MANE Select); coding-DNA position 1856, G replaced by C.
Protein change: p.Trp619Ser; replaces tryptophan 619 with serine.
Molecular consequence: missense variant.
Genome position (GRCh38, 1-based): chr12:8,848,742, G>C. VCF-style: chr12-8848742-G-C. GRCh37 (hg19) VCF-style: chr12-9001338-G-C.
Other names: c.383G>C, p.Trp128Ser (NM_001282424.3); short protein forms W619S, W128S.
Identifiers: ClinVar variation 593702 (VCV000593702.20), dbSNP rs369180298, ClinGen allele CA6435839.
Genomic context (GRCh38, chr12:8,848,742, plus strand): 5'-ATATCAATGCTTTATTTCCTCTCCCCCTCTTGTCCCAGGTCTATGGGATGTTTCCATTCT[G>C]GTATGGTCACTACCCCTATCAAGTGGCTGAGTATGATCAGTGTCCAGTGTCTGGCCCATG-3'
Protein context (NP_653271.3, residues 609-629): NRSVYGMFPF[Trp619Ser]YGHYPYQVAE

ClinVar aggregate classification (germline): Conflicting classifications of pathogenicity. Review status: criteria provided, conflicting classifications (1 of 4 stars). 6 submissions from 6 submitters: Uncertain significance (5); Likely benign (1). Last evaluated 2025-12-29.

Conditions:
A2ML1-related disorder. Also called: A2ML1-related condition.

Allele frequency attached by ClinVar (database versions not stated): ExAC 0.00010; gnomAD 0.00014 and 0.00015; gnomAD exomes 0.00015; TOPMed 0.00019; ESP Exome Variant Server 0.00025.
gnomAD v4.1: 304 of 1,611,240 alleles (0.019%); highest among the groups gnomAD compares: Middle Eastern, 0.05%; no homozygotes.

Submissions (6):

Labcorp Genetics (formerly Invitae), Labcorp
Classification: Uncertain significance. Last evaluated: 2025-12-29. Review status: criteria provided, single submitter. Criteria: Invitae Variant Classification Sherloc (09022015). Collection method: clinical testing. Allele origin: germline.
Comment: This sequence change replaces tryptophan, which is neutral and slightly polar, with serine, which is neutral and polar, at codon 619 of the A2ML1 protein (p.Trp619Ser). This variant is present in population databases (rs369180298, gnomAD 0.03%). This variant has not been reported in the literature in individuals affected with A2ML1-related conditions. ClinVar contains an entry for this variant (Variation ID: 593702). An algorithm developed to predict the effect of missense changes on protein structure and function (PolyPhen-2) suggests that this variant is likely to be tolerated. In summary, the available evidence is currently insufficient to determine the role of this variant in disease. Therefore, it has been classified as a Variant of Uncertain Significance.

PreventionGenetics, part of Exact Sciences
Classification: Uncertain significance for A2ML1-related condition. Last evaluated: 2025-10-15. Review status: criteria provided, single submitter. Criteria: ACMG Guidelines, 2015. Collection method: clinical testing. Allele origin: germline.
Comment: The A2ML1 c.1856G>C variant is predicted to result in the amino acid substitution p.Trp619Ser. This variant has been reported in an individual with phenotypes overlapping Noonan syndrome/RASopathies; however, this paper also stated the evidence to support A2ML1 as a Noonan syndrome/RASopathy gene is insufficient (Table S1 - Brinkmann et al. 2020. PubMed ID: 33082526). This variant is reported in 0.026% of alleles in individuals of European (Non-Finnish) descent in gnomAD, which is too common to be a primary cause of disease for RASopathies (Gelb et al. 2018. PubMed ID: 29493581). Although we suspect that this variant may be benign, at this time, the clinical significance of this variant is uncertain due to the absence of conclusive functional and genetic evidence.

Ambry Genetics
Classification: Uncertain significance. Last evaluated: 2025-07-03. Review status: criteria provided, single submitter. Criteria: Ambry Variant Classification Scheme 2023. Collection method: clinical testing. Allele origin: germline.
Comment: The p.W619S variant (also known as c.1856G>C), located in coding exon 16 of the A2ML1 gene, results from a G to C substitution at nucleotide position 1856. The tryptophan at codon 619 is replaced by serine, an amino acid with highly dissimilar properties. This amino acid position is conserved. In addition, this alteration is predicted to be tolerated by in silico analysis. Since supporting evidence is limited at this time, the clinical significance of this alteration remains unclear.

Women's Health and Genetics/Laboratory Corporation of America, LabCorp
Classification: Likely benign. Last evaluated: 2021-07-27. Review status: criteria provided, single submitter. Criteria: LabCorp Variant Classification Summary - May 2015. Collection method: clinical testing. Allele origin: germline.
Comment: Variant summary: A2ML1 c.1856G>C (p.Trp619Ser) results in a non-conservative amino acid change in the encoded protein sequence. Three of five in-silico tools predict a benign effect of the variant on protein function. The variant allele was found at a frequency of 0.00015 in 247052 control chromosomes, predominantly at a frequency of 0.00026 within the Non-Finnish European subpopulation in the gnomAD database. The observed variant frequency within Non-Finnish European control individuals in the gnomAD database is approximately 65 fold of the estimated maximal expected allele frequency for a pathogenic variant in A2ML1 causing Noonan Syndrome phenotype (4e-06), strongly suggesting that the variant is a benign polymorphism found primarily in populations of Non-Finnish European origin. c.1856G>C has been reported in the literature in an individual with clinical signs of noonan syndrome/RASopathy and in patient's clinically unaffected father (Brinkmann_2020). This report however, does not provide unequivocal conclusions about association of the variant with Noonan Syndrome. To our knowledge, no experimental evidence demonstrating an impact on protein function has been reported. Two ClinVar submitter (evalution after 2014) cite the variant as uncertain significance. Based on the evidence outlined above, the variant was classified as likely benign.

Department of Human Genetics, University Hospital Magdeburg
Classification: Uncertain significance. Last evaluated: 2020-07-09. Review status: criteria provided, single submitter. Criteria: ACMG Guidelines, 2015. Collection method: clinical testing. Allele origin: paternal. Inheritance: Autosomal dominant inheritance. Observed: 1 variant allele.
Comment: This variant is frequently present in gnomAD (frequency 1.51e-4).

Eurofins Ntd Llc (ga)
Classification: Uncertain significance. Last evaluated: 2017-08-16. Review status: criteria provided, single submitter. Criteria: EGL Classification Definitions 2015. Collection method: clinical testing. Allele origin: germline. Observed: 1 variant allele, 1 heterozygote.

Literature cited by the submitters: PubMed 33082526 (cited by Women's Health and Genetics/Laboratory Corporation of America, LabCorp).